The following is an entry in ClinVar:

ClinVar aggregate classification (germline): Conflicting classifications of pathogenicity. Review status: criteria provided, conflicting classifications (1 of 4 stars). 2 submissions from 2 submitters: Uncertain significance (1); Likely benign (1). Last evaluated 2025-08-04.

Allele frequency attached by ClinVar (database versions not stated): gnomAD exomes 0.00014; ExAC 0.00031; 1000 Genomes Project 0.00100; 1000 Genomes Project 30x 0.00109; gnomAD 0.00112; TOPMed 0.00131; ESP Exome Variant Server 0.00132.
gnomAD v4.1: 379 of 1,612,024 alleles (0.024%); highest among the groups gnomAD compares: African/African-American, 0.46%; 6 homozygotes.

Submissions (2):

Ambry Genetics
Classification: Uncertain significance. Last evaluated: 2025-08-04. Review status: criteria provided, single submitter. Criteria: Ambry Variant Classification Scheme 2023. Collection method: clinical testing. Allele origin: germline.

CeGaT Center for Human Genetics Tuebingen
Classification: Likely benign. Last evaluated: 2023-09-01. Review status: criteria provided, single submitter. Criteria: CeGaT Center For Human Genetics Tuebingen Variant Classification Criteria Version 2. Collection method: clinical testing. Allele origin: germline. Affected: yes. Observed: 1 variant allele.
Comment: AHNAK2: BP4, BS2

NM_138420.4(AHNAK2):c.9151G>A (p.Val3051Ile)

Gene: AHNAK2 (AHNAK nucleoprotein 2; minus strand). Cytogenetic location: 14q32.33.
Variant type: single nucleotide variant.
Coding change: c.9151G>A on transcript NM_138420.4 (MANE Select); coding-DNA position 9151, G replaced by A.
Protein change: p.Val3051Ile; replaces valine 3051 with isoleucine.
Molecular consequence: missense variant.
Genome position (GRCh38, 1-based): chr14:104,946,300, C>T on the plus strand (G>A on the coding strand, the complement: AHNAK2 is on the minus strand). VCF-style: chr14-104946300-C-T. GRCh37 (hg19) VCF-style: chr14-105412637-C-T.
Other names: c.9151G>A (NM_138420.2); c.8851G>A, p.Val2951Ile (NM_001350929.2); short protein forms V2951I, V3051I.
Identifiers: ClinVar variation 2644691 (VCV002644691.25), dbSNP rs201902848, ClinGen allele CA7379742.